The following is an entry in ClinVar:

ClinVar aggregate classification (germline): Uncertain significance (1 of 4 stars; one submission).

Conditions:
Hereditary spastic paraplegia 31. Also called: SPASTIC PARAPLEGIA 31, AUTOSOMAL DOMINANT. Identifiers: Orphanet 101011, MedGen C1853247, MONDO:0012453, OMIM 610250.

gnomAD v4.1: 1 of 1,600,910 alleles (0.000062%); highest among the groups gnomAD compares: Non-Finnish European, 0.000085%; no homozygotes.

Submission:

Labcorp Genetics (formerly Invitae), Labcorp
Classification: Uncertain significance for Hereditary spastic paraplegia 31. Last evaluated: 2025-06-02. Review status: criteria provided, single submitter. Criteria: Invitae Variant Classification Sherloc (09022015). Collection method: clinical testing. Allele origin: germline.
Comment: This sequence change replaces glycine, which is neutral and non-polar, with cysteine, which is neutral and slightly polar, at codon 142 of the REEP1 protein (p.Gly142Cys). This variant is not present in population databases (gnomAD no frequency). This variant has not been reported in the literature in individuals affected with REEP1-related conditions. An algorithm developed to predict the effect of missense changes on protein structure and function (PolyPhen-2) suggests that this variant is likely to be disruptive. In summary, the available evidence is currently insufficient to determine the role of this variant in disease. Therefore, it has been classified as a Variant of Uncertain Significance.

NM_001371279.1(REEP1):c.424G>T (p.Gly142Cys)

Gene: REEP1 (receptor accessory protein 1; minus strand). Cytogenetic location: 2p11.2.
Variant type: single nucleotide variant.
Coding change: c.424G>T on transcript NM_001371279.1 (MANE Select); coding-DNA position 424, G replaced by T.
Protein change: p.Gly142Cys; replaces glycine 142 with cysteine.
Molecular consequence: missense variant. On other transcripts: intron variant (1).
Genome position (GRCh38, 1-based): chr2:86,232,796, C>A on the plus strand (G>T on the coding strand, the complement: REEP1 is on the minus strand). VCF-style: chr2-86232796-C-A. GRCh37 (hg19) VCF-style: chr2-86459919-C-A.
Other names: c.445G>T, p.Gly149Cys (NM_001164730.2); c.343G>T, p.Gly115Cys (NM_001164731.2); c.189G>T, p.Arg63Ser (NM_001164732.2); c.424G>T, p.Gly142Cys (NM_001410855.1, NM_001410856.1, NM_022912.3); c.418-15686G>T (NM_001371280.1); short protein forms G142C, G149C, G115C, R63S.
Identifiers: ClinVar variation 4716114 (VCV004716114.1).